The following is an entry in ClinVar:

ClinVar aggregate classification (germline): Uncertain significance. Review status: criteria provided, multiple submitters, no conflicts (2 of 4 stars). 3 submissions from 3 submitters: Uncertain significance (3). Last evaluated 2025-12-12.

Conditions:
LAMA2-related muscular dystrophy (LAMA2-RD). Also called: Laminin alpha 2-related dystrophy. Identifiers: MedGen C5679788, MONDO:0100228.

Allele frequency attached by ClinVar (database versions not stated): TOPMed 0.00001; gnomAD exomes 0.00002; ExAC 0.00003.
gnomAD v4.1: 4 of 1,603,242 alleles (0.00025%); highest among the groups gnomAD compares: East Asian, 0.0045%; no homozygotes.

Submissions (3):

Women's Health and Genetics/Laboratory Corporation of America, LabCorp
Classification: Uncertain significance. Last evaluated: 2025-12-12. Review status: criteria provided, single submitter. Criteria: LabCorp Variant Classification Summary - May 2015. Collection method: clinical testing. Allele origin: germline.
Comment: Variant summary: LAMA2 c.4049G>A (p.Arg1350Gln) results in a conservative amino acid change in the encoded protein sequence. Algorithms developed to predict the effect of missense changes on protein structure and function are either unavailable or do not agree on the potential impact of this missense change. The variant allele was found at a frequency of 2e-05 in 250422 control chromosomes. The available data on variant occurrences in the general population are insufficient to allow any conclusion about variant significance. To our knowledge, no occurrence of c.4049G>A in individuals affected with LAMA2-related conditions and no experimental evidence demonstrating its impact on protein function have been reported. ClinVar contains an entry for this variant (Variation ID: 966295). Based on the evidence outlined above, the variant was classified as uncertain significance.

Labcorp Genetics (formerly Invitae), Labcorp
Classification: Uncertain significance for LAMA2-related muscular dystrophy. Last evaluated: 2025-08-18. Review status: criteria provided, single submitter. Criteria: Invitae Variant Classification Sherloc (09022015). Collection method: clinical testing. Allele origin: germline.
Comment: This sequence change replaces arginine, which is basic and polar, with glutamine, which is neutral and polar, at codon 1350 of the LAMA2 protein (p.Arg1350Gln). This variant is present in population databases (rs764883421, gnomAD 0.01%). This variant has not been reported in the literature in individuals affected with LAMA2-related conditions. ClinVar contains an entry for this variant (Variation ID: 966295). Invitae Evidence Modeling of protein sequence and biophysical properties (such as structural, functional, and spatial information, amino acid conservation, physicochemical variation, residue mobility, and thermodynamic stability) indicates that this missense variant is not expected to disrupt LAMA2 protein function with a negative predictive value of 95%. In summary, the available evidence is currently insufficient to determine the role of this variant in disease. Therefore, it has been classified as a Variant of Uncertain Significance.

Athena Diagnostics
Classification: Uncertain significance. Last evaluated: 2025-03-21. Review status: criteria provided, single submitter. Criteria: Athena Diagnostics Criteria. Collection method: clinical testing. Allele origin: unknown.
Comment: Available data are insufficient to determine the clinical significance of the variant at this time. The frequency of this variant in the general population is uninformative in assessment of its pathogenicity. Polyphen and MutationTaster predict this amino acid change may be damaging to the protein.

NM_000426.4(LAMA2):c.4049G>A (p.Arg1350Gln)

Gene: LAMA2 (laminin subunit alpha 2; plus strand). Cytogenetic location: 6q22.33.
Variant type: single nucleotide variant.
Coding change: c.4049G>A on transcript NM_000426.4 (MANE Select); coding-DNA position 4049, G replaced by A.
Protein change: p.Arg1350Gln; replaces arginine 1350 with glutamine.
Molecular consequence: missense variant.
Genome position (GRCh38, 1-based): chr6:129,316,162, G>A. VCF-style: chr6-129316162-G-A. GRCh37 (hg19) VCF-style: chr6-129637307-G-A.
Other names: c.4049G>A, p.Arg1350Gln (NM_001079823.2); short protein forms R1350Q.
Identifiers: ClinVar variation 966295 (VCV000966295.6), dbSNP rs764883421, ClinGen allele CA3993417.